The following is an entry in ClinVar:

NM_058195.4(CDKN2A):c.124G>A (p.Ala42Thr)

Gene: CDKN2A (cyclin dependent kinase inhibitor 2A; minus strand). Cytogenetic location: 9p21.3.
Variant type: single nucleotide variant.
Coding change: c.124G>A on transcript NM_058195.4 (MANE Plus Clinical); coding-DNA position 124, G replaced by A.
Protein change: p.Ala42Thr; replaces alanine 42 with threonine.
Molecular consequence: missense variant. On other transcripts: intron variant (1).
Genome position (GRCh38, 1-based): chr9:21,994,208, C>T on the plus strand (G>A on the coding strand, the complement: CDKN2A is on the minus strand). VCF-style: chr9-21994208-C-T. GRCh37 (hg19) VCF-style: chr9-21994207-C-T.
Other names: c.-4+613G>A (NM_001363763.2); short protein forms A42T.
Identifiers: ClinVar variation 1358750 (VCV001358750.7), dbSNP rs905621048, ClinGen allele CA190745885.
Genomic context (GRCh38, chr9:21,994,208, plus strand): 5'-TAGGAAGCGGCTGCTGCCCTAGACGCTGGCTCCTCAGTAGCATCAGCACGAGGGCCACAG[C>T]GGCGGGCGCCCCTGGCGCTGCCCACTCCCCCGTGAGCCGCGGGATGTGAACCACGAAAAC-3'
Protein context (NP_478102.2, residues 32-52): GEWAAPGAPA[Ala42Thr]VALVLMLLRS

ClinVar aggregate classification (germline): Uncertain significance. Review status: criteria provided, multiple submitters, no conflicts (2 of 4 stars). 2 submissions from 2 submitters: Uncertain significance (2). Last evaluated 2024-06-12.

Conditions:
Hereditary cancer-predisposing syndrome. Also called: Tumor predisposition; Neoplastic Syndromes, Hereditary; Hereditary Cancer Syndrome; Hereditary neoplastic syndrome. Identifiers: Orphanet 140162, MedGen C0027672, MeSH D009386, MONDO:0015356.
Familial melanoma. Also called: Hereditary melanoma; Hereditary cutaneous melanoma. Identifiers: Orphanet 618, MedGen C1512419, MONDO:0018961.

Allele frequency attached by ClinVar (database versions not stated): gnomAD exomes below 0.00001; TOPMed below 0.00001.
gnomAD v4.1: 1 of 1,606,010 alleles (0.000062%); highest among the groups gnomAD compares: Non-Finnish European, 0.000085%; no homozygotes.

Submissions (2):

Ambry Genetics
Classification: Uncertain significance for Hereditary cancer-predisposing syndrome. Last evaluated: 2024-06-12. Review status: criteria provided, single submitter. Criteria: Ambry Variant Classification Scheme 2023. Collection method: clinical testing. Allele origin: germline.
Comment: The p.A42T variant (also known as c.124G>A), located in coding exon 1 of the CDKN2A (p.14ARF) gene, results from a G to A substitution at nucleotide position 124. The alanine at codon 42 is replaced by threonine, an amino acid with similar properties. This amino acid position is not well conserved in available vertebrate species. Based on the available evidence, the clinical significance of this variant remains unclear.

Labcorp Genetics (formerly Invitae), Labcorp
Classification: Uncertain significance for Familial melanoma. Last evaluated: 2021-07-13. Review status: criteria provided, single submitter. Criteria: Invitae Variant Classification Sherloc (09022015). Collection method: clinical testing. Allele origin: germline.